The following is an entry in ClinVar:

ClinVar aggregate classification (germline): Uncertain significance (1 of 4 stars; one submission).

Conditions:
Brugada syndrome. Also called: Sudden unexplained nocturnal death syndrome; Sudden Unexplained Death Syndrome; Sudden Unexplained Nocturnal Death Syndrome (SUNDS); Sudden unexpected nocturnal death syndrome. Identifiers: Orphanet 130, MedGen C1142166, MONDO:0015263.

Submission:

Labcorp Genetics (formerly Invitae), Labcorp
Classification: Uncertain significance for Brugada syndrome. Last evaluated: 2018-09-04. Review status: criteria provided, single submitter. Criteria: Invitae Variant Classification Sherloc (09022015). Collection method: clinical testing. Allele origin: germline.
Comment: This sequence change replaces arginine with glycine at codon 149 of the SCN10A protein (p.Arg149Gly). The arginine residue is weakly conserved and there is a moderate physicochemical difference between arginine and glycine. This variant is not present in population databases (ExAC no frequency). This variant has not been reported in the literature in individuals with SCN10A-related disease. Algorithms developed to predict the effect of missense changes on protein structure and function (SIFT, PolyPhen-2, Align-GVGD) all suggest that this variant is likely to be tolerated, but these predictions have not been confirmed by published functional studies and their clinical significance is uncertain. In summary, the available evidence is currently insufficient to determine the role of this variant in disease. Therefore, it has been classified as a Variant of Uncertain Significance.

NM_006514.4(SCN10A):c.445C>G (p.Arg149Gly)

Gene: SCN10A (sodium voltage-gated channel alpha subunit 10; minus strand). Cytogenetic location: 3p22.2.
Variant type: single nucleotide variant.
Coding change: c.445C>G on transcript NM_006514.4 (MANE Select); coding-DNA position 445, C replaced by G.
Protein change: p.Arg149Gly; replaces arginine 149 with glycine.
Molecular consequence: missense variant.
Genome position (GRCh38, 1-based): chr3:38,788,981, G>C on the plus strand (C>G on the coding strand, the complement: SCN10A is on the minus strand). VCF-style: chr3-38788981-G-C. GRCh37 (hg19) VCF-style: chr3-38830472-G-C.
Other names: c.445C>G, p.Arg149Gly (NM_001293306.2, NM_001293307.2); short protein forms R149G.
Identifiers: ClinVar variation 655035 (VCV000655035.1), dbSNP rs745868315, ClinGen allele CA352159852.